The following is an entry in ClinVar:

NM_145054.5(CFAP52):c.751T>C (p.Leu251=)

Gene: CFAP52 (cilia and flagella associated protein 52; plus strand). Cytogenetic location: 17p13.1.
Variant type: single nucleotide variant.
Coding change: c.751T>C on transcript NM_145054.5 (MANE Select); coding-DNA position 751, T replaced by C.
Protein change: p.Leu251=; no amino-acid change (leucine 251 retained).
Molecular consequence: synonymous variant.
Genome position (GRCh38, 1-based): chr17:9,600,181, T>C. VCF-style: chr17-9600181-T-C. GRCh37 (hg19) VCF-style: chr17-9503498-T-C.
Other names: c.547T>C, p.Leu183= (NM_001080556.2).
Identifiers: ClinVar variation 1453935 (VCV001453935.32), dbSNP rs371814923, ClinGen allele CA8381996.

ClinVar aggregate classification (germline): Likely benign. Review status: criteria provided, multiple submitters, no conflicts (2 of 4 stars). 2 submissions from 2 submitters: Likely benign (2). Last evaluated 2023-04-01.

Conditions:
Situs inversus. Also called: Situs inversus totalis. Identifiers: Orphanet 101063, MedGen C4551493, MONDO:0010029, HP:0001696.

Allele frequency attached by ClinVar (database versions not stated): gnomAD 0.00002 and 0.00003; ExAC 0.00003; gnomAD exomes 0.00003 and 0.00004; TOPMed 0.00005; ESP Exome Variant Server 0.00008.
gnomAD v4.1: 53 of 1,613,474 alleles (0.0033%); highest among the groups gnomAD compares: Middle Eastern, 0.016%; no homozygotes.

Submissions (2):

CeGaT Center for Human Genetics Tuebingen
Classification: Likely benign. Last evaluated: 2023-04-01. Review status: criteria provided, single submitter. Criteria: CeGaT Center For Human Genetics Tuebingen Variant Classification Criteria Version 2. Collection method: clinical testing. Allele origin: germline. Affected: yes. Observed: 1 variant allele.
Comment: CFAP52: BP4, BP7

Labcorp Genetics (formerly Invitae), Labcorp
Classification: Likely benign for Situs inversus. Last evaluated: 2020-11-18. Review status: criteria provided, single submitter. Criteria: Invitae Variant Classification Sherloc (09022015). Collection method: clinical testing. Allele origin: germline.